The following is an entry in ClinVar:

ClinVar aggregate classification (germline): Likely pathogenic (1 of 4 stars; one submission).

Conditions:
Dilated cardiomyopathy 1G (CMD1G). Identifiers: Orphanet 154, MedGen C1858763, MONDO:0011400, OMIM 604145.
Autosomal recessive limb-girdle muscular dystrophy type 2J (LGMDR10). Also called: Limb-girdle muscular dystrophy, type 2J; MUSCULAR DYSTROPHY, LIMB-GIRDLE, AUTOSOMAL RECESSIVE 10. Identifiers: Orphanet 140922, MedGen C1837342, MONDO:0012127, OMIM 608807.

Submission:

Labcorp Genetics (formerly Invitae), Labcorp
Classification: Likely pathogenic for Dilated cardiomyopathy 1G; Autosomal recessive limb-girdle muscular dystrophy type 2J. Last evaluated: 2022-10-14. Review status: criteria provided, single submitter. Criteria: Invitae Variant Classification Sherloc (09022015). Collection method: clinical testing. Allele origin: germline.
Comment: In summary, the currently available evidence indicates that the variant is pathogenic, but additional data are needed to prove that conclusively. Therefore, this variant has been classified as Likely Pathogenic. This variant is located in the A band of TTN (PMID: 25589632). Truncating variants in this region are significantly overrepresented in patients affected with dilated cardiomyopathy (PMID: 25589632). Truncating variants in this region have also been reported in individuals affected with autosomal recessive centronuclear myopathy (PMID: 23975875). This variant has not been reported in the literature in individuals affected with TTN-related conditions. This variant is not present in population databases (gnomAD no frequency). This sequence change creates a premature translational stop signal (p.Pro15762Leufs*2) in the TTN gene. While this is not anticipated to result in nonsense mediated decay, it is expected to create a truncated TTN protein.

Literature cited by the submitters: PubMed 25589632; PubMed 23975875.

NM_001267550.2(TTN):c.47285del (p.Pro15762fs)

Genes: TTN (titin; minus strand), TTN-AS1 (TTN antisense RNA 1; plus strand). Cytogenetic location: 2q31.2.
Variant type: Deletion.
Coding change: c.47285del on transcript NM_001267550.2 (MANE Select); coding-DNA position 47285, one base deleted (C; older notation c.47285delC).
Protein change: p.Pro15762fs; shifts the reading frame from proline 15762.
Molecular consequence: frameshift variant.
Genome position (GRCh38, 1-based): chr2:178,618,066, G deleted on the plus strand (C on the coding strand, the reverse complement: TTN is on the minus strand); the first of 2 consecutive G bases (chr2:178,618,066-178,618,067); deleting either gives the same sequence. VCF-style (leftmost placement, unchanged base first): chr2-178618065-AG-A. GRCh37 (hg19) VCF-style: chr2-179482792-AG-A.
Other names: c.42362del, p.Pro14121fs (NM_001256850.1); c.20090del, p.Pro6697fs (NM_003319.4); c.39581del, p.Pro13194fs (NM_133378.4); c.20465del, p.Pro6822fs (NM_133432.3); c.20666del, p.Pro6889fs (NM_133437.4); short protein forms P6697fs, P6822fs, P6889fs, P14121fs, P13194fs, P15762fs.
Identifiers: ClinVar variation 1969054 (VCV001969054.5), dbSNP rs2470882915, ClinGen allele CA2580065397.